The following is an entry in ClinVar:

ClinVar aggregate classification (germline): Uncertain significance. Review status: criteria provided, multiple submitters, no conflicts (2 of 4 stars). 2 submissions from 2 submitters: Uncertain significance (2). Last evaluated 2025-05-13.

Conditions:
Mucolipidosis type II. Also called: Mucolipidosis II Alpha/Beta; ML II ALPHA/BETA; Mucolipidosis 2; ML 2; Inclusion cell disease; Leroy Disease. Identifiers: Orphanet 576, MedGen C2673377, MONDO:0009650, OMIM 252500.
Pseudo-Hurler polydystrophy. Also called: ML III; ML III ALPHA/BETA; Type III Mucolipidosis; ML IIIA; Mucolipidosis III Alpha/Beta; MUCOLIPIDOSIS IIIA. Identifiers: Orphanet 423461, Orphanet 577, MedGen C0033788, MONDO:0018931, OMIM 252600.
Inborn genetic diseases. Identifiers: MedGen C0950123, MeSH D030342.

Submissions (2):

Ambry Genetics
Classification: Uncertain significance for Inborn genetic diseases. Last evaluated: 2025-05-13. Review status: criteria provided, single submitter. Criteria: Ambry Variant Classification Scheme 2023. Collection method: clinical testing. Allele origin: germline.

Labcorp Genetics (formerly Invitae), Labcorp
Classification: Uncertain significance for Pseudo-Hurler polydystrophy; Mucolipidosis type II. Last evaluated: 2024-11-25. Review status: criteria provided, single submitter. Criteria: Invitae Variant Classification Sherloc (09022015). Collection method: clinical testing. Allele origin: germline.
Comment: This sequence change replaces glutamic acid, which is acidic and polar, with glutamine, which is neutral and polar, at codon 43 of the GNPTAB protein (p.Glu43Gln). This variant is not present in population databases (gnomAD no frequency). This variant has not been reported in the literature in individuals affected with GNPTAB-related conditions. Invitae Evidence Modeling of protein sequence and biophysical properties (such as structural, functional, and spatial information, amino acid conservation, physicochemical variation, residue mobility, and thermodynamic stability) indicates that this missense variant is expected to disrupt GNPTAB protein function with a positive predictive value of 80%. In summary, the available evidence is currently insufficient to determine the role of this variant in disease. Therefore, it has been classified as a Variant of Uncertain Significance.

NM_024312.5(GNPTAB):c.127G>C (p.Glu43Gln)

Gene: GNPTAB (N-acetylglucosamine-1-phosphate transferase subunits alpha and beta; minus strand). Cytogenetic location: 12q23.2.
Variant type: single nucleotide variant.
Coding change: c.127G>C on transcript NM_024312.5 (MANE Select); coding-DNA position 127, G replaced by C.
Protein change: p.Glu43Gln; replaces glutamic acid 43 with glutamine.
Molecular consequence: missense variant.
Genome position (GRCh38, 1-based): chr12:101,796,753, C>G on the plus strand (G>C on the coding strand, the complement: GNPTAB is on the minus strand). VCF-style: chr12-101796753-C-G. GRCh37 (hg19) VCF-style: chr12-102190531-C-G.
Other names: c.127G>C (NM_024312.4); short protein forms E43Q.
Identifiers: ClinVar variation 3756054 (VCV003756054.3).